The following is an entry in ClinVar:

NM_001167.4(XIAP):c.*5892T>G

Gene: XIAP (X-linked inhibitor of apoptosis; plus strand). Cytogenetic location: Xq25.
Variant type: single nucleotide variant.
Coding change: c.*5892T>G on transcript NM_001167.4 (MANE Select); 5892 bases downstream of the stop codon, T replaced by G.
Molecular consequence: 3 prime UTR variant. On other transcripts: non-coding transcript variant (2).
Genome position (GRCh38, 1-based): chrX:123,913,073, T>G. VCF-style: chrX-123913073-T-G. GRCh37 (hg19) VCF-style: chrX-123046923-T-G.
Other names: c.*5892T>G (NM_001204401.2, NM_001378590.1, NM_001378591.1 and 1 more transcripts).
Identifiers: ClinVar variation 367856 (VCV000367856.6), dbSNP rs6648556, ClinGen allele CA10508464.

ClinVar aggregate classification (germline): Benign. Review status: criteria provided, multiple submitters, no conflicts (2 of 4 stars). 2 submissions from 2 submitters: Benign (2). Last evaluated 2017-04-27.

Conditions:
X-linked lymphoproliferative disease due to XIAP deficiency. Also called: XIAP DEFICIENCY; XIAP-Related Lymphoproliferative Disease, X-Linked. Identifiers: Orphanet 2442, Orphanet 538934, MedGen C1845076, MONDO:0010385, OMIM 300635.

Allele frequency attached by ClinVar (database versions not stated): gnomAD exomes 0.57324; 1000 Genomes Project 0.62119; 1000 Genomes Project 30x 0.62518; gnomAD 0.64022; TOPMed 0.64318; ExAC 0.66827.

Submissions (2):

Illumina Laboratory Services, Illumina
Classification: Benign for X-linked lymphoproliferative disease due to XIAP deficiency. Last evaluated: 2017-04-27. Review status: criteria provided, single submitter. Criteria: ICSL Variant Classification Criteria 13 December 2019. Collection method: clinical testing. Allele origin: germline.
Comment: This variant was observed as part of a predisposition screen in an ostensibly healthy population. A literature search was performed for the gene, cDNA change, and amino acid change (where applicable). No publications were found based on this search. Allele frequency data from public databases was too high to be consistent with this variant causing disease. Therefore, this variant is classified as benign.

Breakthrough Genomics
Classification: Benign. Review status: criteria provided, single submitter. Criteria: ACMG Guidelines, 2015. Collection method: not provided. Allele origin: germline. Inheritance: X-linked inheritance. Affected: yes.